The following is an entry in ClinVar:

NM_130384.3(ATRIP):c.2243T>G (p.Phe748Cys)

Genes: ATRIP (ATR interacting protein; plus strand), ATRIP-TREX1 (ATRIP-TREX1 readthrough; plus strand). Cytogenetic location: 3p21.31.
Variant type: single nucleotide variant.
Coding change: c.2243T>G on transcript NM_130384.3 (MANE Select); coding-DNA position 2243, T replaced by G.
Protein change: p.Phe748Cys; replaces phenylalanine 748 with cysteine.
Molecular consequence: missense variant. On other transcripts: non-coding transcript variant (1).
Genome position (GRCh38, 1-based): chr3:48,465,018, T>G. VCF-style: chr3-48465018-T-G. GRCh37 (hg19) VCF-style: chr3-48506417-T-G.
Other names: c.1862T>G, p.Phe621Cys (NM_001271022.2); c.1964T>G, p.Phe655Cys (NM_001271023.2); c.2162T>G, p.Phe721Cys (NM_032166.4); short protein forms F621C, F655C, F721C, F748C.
Identifiers: ClinVar variation 4867216 (VCV004867216.1).

ClinVar aggregate classification (germline): Uncertain significance (1 of 4 stars; one submission).

Submission:

Ambry Genetics
Classification: Uncertain significance. Last evaluated: 2026-04-16. Review status: criteria provided, single submitter. Criteria: Ambry Variant Classification Scheme 2023. Collection method: clinical testing. Allele origin: germline.
Comment: The p.F748C variant (also known as c.2243T>G), located in coding exon 12 of the ATRIP gene, results from a T to G substitution at nucleotide position 2243. The phenylalanine at codon 748 is replaced by cysteine, an amino acid with highly dissimilar properties. This amino acid position is conserved. In addition, this alteration is predicted to be tolerated by in silico analysis. Based on the available evidence, the clinical significance of this variant remains unclear.